The following is an entry in ClinVar:

NM_001204.7(BMPR2):c.1088T>G (p.Leu363Arg)

Gene: BMPR2 (bone morphogenetic protein receptor type 2; plus strand). Cytogenetic location: 2q33.2.
Variant type: single nucleotide variant.
Coding change: c.1088T>G on transcript NM_001204.7 (MANE Select); coding-DNA position 1088, T replaced by G.
Protein change: p.Leu363Arg; replaces leucine 363 with arginine.
Molecular consequence: missense variant.
Genome position (GRCh38, 1-based): chr2:202,530,914, T>G. VCF-style: chr2-202530914-T-G. GRCh37 (hg19) VCF-style: chr2-203395637-T-G.
Other names: short protein forms L363R.
Identifiers: ClinVar variation 3992190 (VCV003992190.1).

ClinVar aggregate classification (germline): Uncertain significance (1 of 4 stars; one submission).

Conditions:
Inborn genetic diseases. Identifiers: MedGen C0950123, MeSH D030342.

Submission:

Ambry Genetics
Classification: Uncertain significance for Inborn genetic diseases. Last evaluated: 2025-05-19. Review status: criteria provided, single submitter. Criteria: Ambry Variant Classification Scheme 2023. Collection method: clinical testing. Allele origin: germline.
Comment: The p.L363R variant (also known as c.1088T>G), located in coding exon 8 of the BMPR2 gene, results from a T to G substitution at nucleotide position 1088. The leucine at codon 363 is replaced by arginine, an amino acid with dissimilar properties. This amino acid position is conserved. In addition, the in silico prediction for this alteration is inconclusive. Based on the available evidence, the clinical significance of this variant remains unclear.